The following is an entry in ClinVar:

ClinVar aggregate classification (germline): Benign/Likely benign. Review status: criteria provided, multiple submitters, no conflicts (2 of 4 stars). 4 submissions from 4 submitters: Benign (3); Likely benign (1). Last evaluated 2026-02-04.

Allele frequency attached by ClinVar (database versions not stated): gnomAD 0.02180 and 0.02129; 1000 Genomes Project 30x 0.01218; gnomAD exomes 0.02046 and 0.03176; TOPMed 0.02027; ExAC 0.02099; ESP Exome Variant Server 0.02783; 1000 Genomes Project 0.01198.
gnomAD v4.1: 49,218 of 1,611,706 alleles (3.1%); highest among the groups gnomAD compares: Non-Finnish European, 3.7%; 912 homozygotes.

Submissions (4):

Labcorp Genetics (formerly Invitae), Labcorp
Classification: Benign. Last evaluated: 2026-02-04. Review status: criteria provided, single submitter. Criteria: Invitae Variant Classification Sherloc (09022015). Collection method: clinical testing. Allele origin: germline.

Women's Health and Genetics/Laboratory Corporation of America, LabCorp
Classification: Likely benign. Last evaluated: 2026-01-22. Review status: criteria provided, single submitter. Criteria: LabCorp Variant Classification Summary - May 2015. Collection method: clinical testing. Allele origin: germline.

Mayo Clinic Laboratories, Mayo Clinic
Classification: Benign. Last evaluated: 2023-01-31. Review status: criteria provided, single submitter. Criteria: ACMG Guidelines, 2015. Collection method: clinical testing. Allele origin: germline. Observed: 201 variant alleles.
Comment: BS1, BS2, BP4

GeneDx
Classification: Benign. Last evaluated: 2020-06-11. Review status: criteria provided, single submitter. Criteria: GeneDx Variant Classification Process June 2021. Collection method: clinical testing. Allele origin: germline. Affected: yes.

NM_001129.5(AEBP1):c.3442G>A (p.Val1148Ile)

Gene: AEBP1 (AE binding protein 1; plus strand). Cytogenetic location: 7p13.
Variant type: single nucleotide variant.
Coding change: c.3442G>A on transcript NM_001129.5 (MANE Select); coding-DNA position 3442, G replaced by A.
Protein change: p.Val1148Ile; replaces valine 1148 with isoleucine.
Molecular consequence: missense variant.
Genome position (GRCh38, 1-based): chr7:44,114,226, G>A. VCF-style: chr7-44114226-G-A. GRCh37 (hg19) VCF-style: chr7-44153825-G-A.
Other names: p.Val1148Ile; short protein forms V1148I.
Identifiers: ClinVar variation 1226463 (VCV001226463.13), dbSNP rs13898, ClinGen allele CA4238497.